The following is an entry in ClinVar:

ClinVar aggregate classification (germline): Uncertain significance. Review status: criteria provided, multiple submitters, no conflicts (2 of 4 stars). 2 submissions from 2 submitters: Uncertain significance (2). Last evaluated 2025-09-28.

Conditions:
Inborn genetic diseases. Identifiers: MedGen C0950123, MeSH D030342.
Autosomal recessive polycystic kidney disease (ARPKD). Also called: AR polycystic kidney disease. Identifiers: Orphanet 731, Orphanet 8378, MedGen C0085548, MeSH D017044, MONDO:0009889.

Allele frequency attached by ClinVar (database versions not stated): TOPMed below 0.00001; gnomAD exomes 0.00001; ExAC 0.00002.
gnomAD v4.1: 5 of 1,614,162 alleles (0.00031%); highest among the groups gnomAD compares: Admixed American, 0.0067%; no homozygotes.

Submissions (2):

Ambry Genetics
Classification: Uncertain significance for Inborn genetic diseases. Last evaluated: 2025-09-28. Review status: criteria provided, single submitter. Criteria: Ambry Variant Classification Scheme 2023. Collection method: clinical testing. Allele origin: germline.

Labcorp Genetics (formerly Invitae), Labcorp
Classification: Uncertain significance for Autosomal recessive polycystic kidney disease. Last evaluated: 2022-05-24. Review status: criteria provided, single submitter. Criteria: Invitae Variant Classification Sherloc (09022015). Collection method: clinical testing. Allele origin: germline.
Comment: This sequence change replaces glycine, which is neutral and non-polar, with arginine, which is basic and polar, at codon 1630 of the PKHD1 protein (p.Gly1630Arg). This variant is present in population databases (rs747057055, gnomAD 0.01%). This variant has not been reported in the literature in individuals affected with PKHD1-related conditions. Algorithms developed to predict the effect of missense changes on protein structure and function are either unavailable or do not agree on the potential impact of this missense change (SIFT: "Deleterious"; PolyPhen-2: "Probably Damaging"; Align-GVGD: "Class C0"). In summary, the available evidence is currently insufficient to determine the role of this variant in disease. Therefore, it has been classified as a Variant of Uncertain Significance.

NM_138694.4(PKHD1):c.4888G>A (p.Gly1630Arg)

Genes: PKHD1 (PKHD1 ciliary IPT domain containing fibrocystin/polyductin; minus strand), LOC126859690 (MED14-independent group 3 enhancer GRCh37_chr6:51888848-51890047; plus strand). Cytogenetic location: 6p12.2.
Variant type: single nucleotide variant.
Coding change: c.4888G>A on transcript NM_138694.4 (MANE Select); coding-DNA position 4888, G replaced by A.
Protein change: p.Gly1630Arg; replaces glycine 1630 with arginine.
Molecular consequence: missense variant.
Genome position (GRCh38, 1-based): chr6:52,024,922, C>T on the plus strand (G>A on the coding strand, the complement: PKHD1 is on the minus strand). VCF-style: chr6-52024922-C-T. GRCh37 (hg19) VCF-style: chr6-51889720-C-T.
Other names: c.4888G>A, p.Gly1630Arg (NM_170724.3); c.4888G>A (NM_138694.3); short protein forms G1630R.
Identifiers: ClinVar variation 2415806 (VCV002415806.3), dbSNP rs747057055, ClinGen allele CA3852645.
Genomic context (GRCh38, chr6:52,024,922, plus strand): 5'-TGACTCCTATGTGATACCAAAGTCCATCTACCTCTATTTCCAGGGCAACAGAGCCATTCC[C>T]TGTGGGAACAATGCACCGGATGAGCTCAGCACCGATGTTCACCGTCAGGCAGGTCTGCTG-3'
Protein context (NP_619639.3, residues 1620-1640): AELIRCIVPT[Gly1630Arg]NGSVALEIEV